The following is an entry in ClinVar:

ClinVar aggregate classification (germline): Uncertain significance (1 of 4 stars; one submission).

Conditions:
Intellectual developmental disorder, X-linked 1. Also called: Atkin Flaitz Patil Smith syndrome; Intellectual disability, X-linked 1; MENTAL RETARDATION, X-LINKED 18; MENTAL RETARDATION, X-LINKED 78. Identifiers: Orphanet 777, MedGen C2931498, MONDO:0010656, OMIM 309530.

gnomAD v4.1: 4 of 1,210,209 alleles (0.00033%); highest among the groups gnomAD compares: South Asian, 0.0018%; no homozygotes.

Submission:

Pittsburgh Clinical Genomics Laboratory, University of Pittsburgh Medical Center
Classification: Uncertain significance for Intellectual developmental disorder, X-linked 1. Last evaluated: 2024-02-01. Review status: criteria provided, single submitter. Criteria: ACMG Guidelines, 2015. Collection method: clinical testing. Allele origin: germline. Inheritance: X-linked dominant inheritance. Affected: yes.
Comment: This sequence variant is a single nucleotide substitution (G>A) at position 2140 of the coding sequence of the IQSEC2 gene that results in a glycine to serine amino acid change at residue 714 of the IQ motif and Sec7 domain ArfGEF 2 protein. This variant is absent from ClinVar and published literature. This variant is present in 1 of 21769 genome alleles (0.0046%) in the gnomAD population dataset. Multiple bioinformatic tools predict that this glycine to serine amino acid change would be neutral, though the Gly714 residue is highly conserved across the vertebrate species examined. Studies examining the functiol consequence of this variant have not been performed, to our knowledge. At this time, there is insufficient evidence to determine if this variant is pathogenic or benign. Therefore, we consider this a variant of uncertain significance. ACMG Criteria: BP4, PM2

NM_001111125.3(IQSEC2):c.2140G>A (p.Gly714Ser)

Gene: IQSEC2 (IQ motif and Sec7 domain ArfGEF 2; minus strand). Cytogenetic location: Xp11.22.
Variant type: single nucleotide variant.
Coding change: c.2140G>A on transcript NM_001111125.3 (MANE Select); coding-DNA position 2140, G replaced by A.
Protein change: p.Gly714Ser; replaces glycine 714 with serine.
Molecular consequence: missense variant.
Genome position (GRCh38, 1-based): chrX:53,250,436, C>T on the plus strand (G>A on the coding strand, the complement: IQSEC2 is on the minus strand). VCF-style: chrX-53250436-C-T. GRCh37 (hg19) VCF-style: chrX-53279618-C-T.
Other names: c.2140G>A, p.Gly714Ser (NM_001410736.1); c.1525G>A, p.Gly509Ser (NM_015075.2); short protein forms G509S, G714S.
Identifiers: ClinVar variation 3376332 (VCV003376332.1).